The following is an entry in ClinVar:

NM_002303.6(LEPR):c.2707A>G (p.Thr903Ala)

Gene: LEPR (leptin receptor; plus strand). Cytogenetic location: 1p31.3.
Variant type: single nucleotide variant.
Coding change: c.2707A>G on transcript NM_002303.6 (MANE Select); coding-DNA position 2707, A replaced by G.
Protein change: p.Thr903Ala; replaces threonine 903 with alanine.
Molecular consequence: missense variant.
Genome position (GRCh38, 1-based): chr1:65,636,224, A>G. VCF-style: chr1-65636224-A-G. GRCh37 (hg19) VCF-style: chr1-66101907-A-G.
Other names: short protein forms T903A.
Identifiers: ClinVar variation 4984656 (VCV004984656.1).

ClinVar aggregate classification (germline): Uncertain significance (1 of 4 stars; one submission).

Conditions:
LEPR-related disorder. Also called: LEPR-related disorders; LEPR-related condition.

gnomAD v4.1: 4 of 1,613,856 alleles (0.00025%); highest among the groups gnomAD compares: African/African-American, 0.0027%; no homozygotes.

Submission:

PreventionGenetics, part of Exact Sciences
Classification: Uncertain significance for LEPR-related condition. Last evaluated: 2025-05-02. Review status: criteria provided, single submitter. Criteria: ACMG Guidelines, 2015. Collection method: clinical testing. Allele origin: germline.
Comment: The LEPR c.2707A>G variant is predicted to result in the amino acid substitution p.Thr903Ala. This variant was observed in a cohort of individuals with obesity, and in vitro functional studies showed function similar to wild-type levels (Supplemental Data Set, Shah et al. 2023. PubMed ID: 36864747). This variant is reported in 0.0040% of alleles in individuals of African descent in gnomAD. At this time, the clinical significance of this variant is uncertain due to the absence of conclusive functional and genetic evidence.